The following is an entry in ClinVar:

ClinVar aggregate classification (germline): Benign/Likely benign. Review status: criteria provided, multiple submitters, no conflicts (2 of 4 stars). 4 submissions from 4 submitters: Benign (1); Likely benign (3). Last evaluated 2026-05-05.

Conditions:
Renal hypomagnesemia 6. Identifiers: Orphanet 34527, MedGen C3151295, MONDO:0013480, OMIM 613882.

Allele frequency attached by ClinVar (database versions not stated): gnomAD 0.00002 and 0.00003; gnomAD exomes 0.00003 and 0.00009; TOPMed 0.00004; ExAC 0.00006.
gnomAD v4.1: 58 of 1,611,204 alleles (0.0036%); highest among the groups gnomAD compares: Middle Eastern, 0.25%; no homozygotes.

Submissions (4):

Revvity Omics, Revvity
Classification: Benign. Last evaluated: 2026-05-05. Review status: criteria provided, single submitter. Criteria: ACMG Guidelines, 2015. Collection method: clinical testing. Allele origin: germline.

CeGaT Center for Human Genetics Tuebingen
Classification: Likely benign. Last evaluated: 2026-03-01. Review status: criteria provided, single submitter. Criteria: CeGaT Center For Human Genetics Tuebingen Variant Classification Criteria Version 2. Collection method: clinical testing. Allele origin: germline. Affected: yes. Observed: 2 variant alleles.
Comment: CNNM2: BP4, BP7

Labcorp Genetics (formerly Invitae), Labcorp
Classification: Likely benign. Last evaluated: 2024-05-07. Review status: criteria provided, single submitter. Criteria: Invitae Variant Classification Sherloc (09022015). Collection method: clinical testing. Allele origin: germline.

Illumina Laboratory Services, Illumina
Classification: Likely benign for Renal hypomagnesemia 6. Last evaluated: 2018-01-13. Review status: criteria provided, single submitter. Criteria: ICSL Variant Classification Criteria 13 December 2019. Collection method: clinical testing. Allele origin: germline.
Comment: This variant was observed in the ICSL laboratory as part of a predisposition screen in an ostensibly healthy population. It had not been previously curated by ICSL or reported in the Human Gene Mutation Database (HGMD: prior to June 1st, 2018), and was therefore a candidate for classification through an automated scoring system. Utilizing variant allele frequency, disease prevalence and penetrance estimates, and inheritance mode, an automated score was calculated to assess if this variant is too frequent to cause the disease. Based on the score and internal cut-off values, a variant classified as likely benign is not then subjected to further curation. The score for this variant resulted in a classification of likely benign for this disease.

NM_017649.5(CNNM2):c.621C>T (p.Ser207=)

Gene: CNNM2 (cyclin and CBS domain divalent metal cation transport mediator 2; plus strand). Cytogenetic location: 10q24.32.
Variant type: single nucleotide variant.
Coding change: c.621C>T on transcript NM_017649.5 (MANE Select); coding-DNA position 621, C replaced by T.
Protein change: p.Ser207=; no amino-acid change (serine 207 retained).
Molecular consequence: synonymous variant.
Genome position (GRCh38, 1-based): chr10:102,919,101, C>T. VCF-style: chr10-102919101-C-T. GRCh37 (hg19) VCF-style: chr10-104678858-C-T.
Other names: c.621C>T, p.Ser207= (NM_199076.3, NM_199077.3).
Identifiers: ClinVar variation 878024 (VCV000878024.21), dbSNP rs767302259, ClinGen allele CA5670297.